The following is an entry in ClinVar:

ClinVar aggregate classification (germline): Uncertain significance. Review status: criteria provided, multiple submitters, no conflicts (2 of 4 stars). 3 submissions from 3 submitters: Uncertain significance (3). Last evaluated 2024-09-05.

Conditions:
Retinitis pigmentosa 88. Identifiers: MedGen C5394208, MONDO:0032940, OMIM 618826.
Inborn genetic diseases. Identifiers: MedGen C0950123, MeSH D030342.

Allele frequency attached by ClinVar (database versions not stated): ExAC 0.00001; gnomAD exomes 0.00001; gnomAD 0.00002 and 0.00003; TOPMed 0.00004; 1000 Genomes Project 30x 0.00016; 1000 Genomes Project 0.00020.
gnomAD v4.1: 30 of 1,612,618 alleles (0.0019%); highest among the groups gnomAD compares: African/African-American, 0.0027%; no homozygotes.

Submissions (3):

Blueprint Genetics
Classification: Uncertain significance. Last evaluated: 2024-09-05. Review status: criteria provided, single submitter. Criteria: ACMG Guidelines, 2015. Collection method: clinical testing. Allele origin: germline.

Ambry Genetics
Classification: Uncertain significance for Inborn genetic diseases. Last evaluated: 2022-10-06. Review status: criteria provided, single submitter. Criteria: Ambry Variant Classification Scheme 2023. Collection method: clinical testing. Allele origin: germline.

Centre for Mendelian Genomics, University Medical Centre Ljubljana
Classification: Uncertain significance for Retinitis pigmentosa 88. Last evaluated: 2019-05-31. Review status: criteria provided, single submitter. Criteria: ACMG Guidelines, 2015. Collection method: clinical testing. Allele origin: unknown. Affected: yes.
Comment: This variant was classified as: Uncertain significance. The available evidence on this variant's pathogenicity is insufficient or conflicting. The following ACMG criteria were applied in classifying this variant: PM2,BP4.

NM_178857.6(RP1L1):c.5929G>A (p.Val1977Ile)

Gene: RP1L1 (RP1 like 1). Cytogenetic location: 8p23.1.
Variant type: single nucleotide variant.
Coding change: c.5929G>A on transcript NM_178857.6 (MANE Select); coding-DNA position 5929, G replaced by A.
Protein change: p.Val1977Ile; replaces valine 1977 with isoleucine.
Molecular consequence: missense variant.
Genome position (GRCh38, 1-based): chr8:10,608,169, C>T on the plus strand (G>A on the coding strand, the complement: RP1L1 is on the minus strand). VCF-style: chr8-10608169-C-T. GRCh37 (hg19) VCF-style: chr8-10465679-C-T.
Other names: short protein forms V1977I.
Identifiers: ClinVar variation 931152 (VCV000931152.7), dbSNP rs534151176, ClinGen allele CA4623500.
Genomic context (GRCh38, chr8:10,608,169, plus strand): 5'-ACTCTGGCTGGGCCTCCCCTTCTGCCTCCTGGGTCTCCACTTCAACCTCCAGGGCCTCTA[C>T]ATCTTCTGACTCTGGCTGGGCTTCCTCTTCTGCCTCCTGGGACTCTATAACTTCTGACTC-3'
Protein context (NP_849188.4, residues 1967-1987): EEEAQPESED[Val1977Ile]EALEVEVETQ